The following is an entry in ClinVar:

ClinVar aggregate classification (germline): Uncertain significance (1 of 4 stars; one submission).

gnomAD v4.1: 91 of 1,613,766 alleles (0.0056%); highest among the groups gnomAD compares: Non-Finnish European, 0.0071%; no homozygotes.

Submission:

CeGaT Center for Human Genetics Tuebingen
Classification: Uncertain significance. Last evaluated: 2025-05-01. Review status: criteria provided, single submitter. Criteria: CeGaT Center For Human Genetics Tuebingen Variant Classification Criteria Version 2. Collection method: clinical testing. Allele origin: germline. Affected: yes. Observed: 1 variant allele.
Comment: HERC2: PM2:Supporting

NM_004667.6(HERC2):c.8398C>T (p.Arg2800Cys)

Gene: HERC2 (HECT and RLD domain containing E3 ubiquitin protein ligase 2; minus strand). Cytogenetic location: 15q13.1.
Variant type: single nucleotide variant.
Coding change: c.8398C>T on transcript NM_004667.6 (MANE Select); coding-DNA position 8398, C replaced by T.
Protein change: p.Arg2800Cys; replaces arginine 2800 with cysteine.
Molecular consequence: missense variant.
Genome position (GRCh38, 1-based): chr15:28,192,014, G>A on the plus strand (C>T on the coding strand, the complement: HERC2 is on the minus strand). VCF-style: chr15-28192014-G-A. GRCh37 (hg19) VCF-style: chr15-28437160-G-A.
Other names: short protein forms R2800C.
Identifiers: ClinVar variation 3905274 (VCV003905274.10).